The following is an entry in ClinVar:

NM_001271938.2(MEGF8):c.4227del (p.Gly1411fs)

Gene: MEGF8 (multiple EGF like domains 8; plus strand). Cytogenetic location: 19q13.2.
Variant type: Deletion.
Coding change: c.4227del on transcript NM_001271938.2 (MANE Select); coding-DNA position 4227, one base deleted (A; older notation c.4227delA).
Protein change: p.Gly1411fs; shifts the reading frame from glycine 1411.
Molecular consequence: frameshift variant.
Genome position (GRCh38, 1-based): chr19:42,355,840, A deleted. VCF-style (leftmost placement, unchanged base first): chr19-42355839-CA-C. GRCh37 (hg19) VCF-style: chr19-42859991-CA-C.
Other names: c.4026del, p.Gly1344fs (NM_001410.3); short protein forms G1411fs, G1344fs.
Identifiers: ClinVar variation 3673024 (VCV003673024.2).

ClinVar aggregate classification (germline): Pathogenic (1 of 4 stars; one submission).

Conditions:
MEGF8-related Carpenter syndrome. Also called: Carpenter syndrome 2. Identifiers: Orphanet 65759, MedGen C3554247, MONDO:0013998, OMIM 614976.

Submission:

Labcorp Genetics (formerly Invitae), Labcorp
Classification: Pathogenic for MEGF8-related Carpenter syndrome. Last evaluated: 2023-12-21. Review status: criteria provided, single submitter. Criteria: Invitae Variant Classification Sherloc (09022015). Collection method: clinical testing. Allele origin: germline.
Comment: This sequence change creates a premature translational stop signal (p.Gly1344Alafs*134) in the MEGF8 gene. It is expected to result in an absent or disrupted protein product. Loss-of-function variants in MEGF8 are known to be pathogenic (PMID: 23063620). This variant is not present in population databases (gnomAD no frequency). This variant has not been reported in the literature in individuals affected with MEGF8-related conditions. For these reasons, this variant has been classified as Pathogenic.

Literature cited by the submitters: PubMed 23063620.